The following is an entry in ClinVar:

ClinVar aggregate classification (germline): Conflicting classifications of pathogenicity. Review status: criteria provided, conflicting classifications (1 of 4 stars). 2 submissions from 2 submitters: Uncertain significance (1); Likely benign (1). Last evaluated 2025-10-24.

Conditions:
Familial thoracic aortic aneurysm and aortic dissection (TAAD). Also called: Thoracic aortic aneurysms and dissections. Identifiers: Orphanet 91387, MedGen C4707243, MONDO:0019625.
Ehlers-Danlos syndrome, type 4 (EDSVASC). Also called: Ehlers-Danlos syndrome vascular type; Ehlers Danlos syndrome, ecchymotic type; Ehlers Danlos syndrome, arterial type; Ehlers Danlos syndrome, Sack-Barabas type; Ehlers-Danlos Syndrome Type IV. Identifiers: Orphanet 286, MedGen C0268338, MONDO:0017314, OMIM 130050.

Submissions (2):

Ambry Genetics
Classification: Uncertain significance for Familial thoracic aortic aneurysm and aortic dissection. Last evaluated: 2025-10-24. Review status: criteria provided, single submitter. Criteria: Ambry Variant Classification Scheme 2023. Collection method: clinical testing. Allele origin: germline.
Comment: The c.1663-5A>G intronic variant results from an A to G substitution 5 nucleotides upstream from coding exon 24 in the COL3A1 gene. This nucleotide position is well conserved in available vertebrate species. In silico splice site analysis predicts that this alteration will not have any significant effect on splicing. Based on the available evidence, the clinical significance of this variant remains unclear.

All of Us Research Program, National Institutes of Health
Classification: Likely benign for Ehlers-Danlos syndrome, type 4. Last evaluated: 2024-07-10. Review status: criteria provided, single submitter. Criteria: ACMG Guidelines, 2015. Collection method: clinical testing. Allele origin: germline. Inheritance: Autosomal dominant inheritance. Observed: 1 variant allele, 1 heterozygote.
Comment: This study involves interpretation of variants in research participants for the purpose of population health screening. Participant phenotype was not available at the time of variant classification. Additional details can be found in publication PMID: 35346344, PMCID: PMC8962531

NM_000090.4(COL3A1):c.1663-5A>G

Gene: COL3A1 (collagen type III alpha 1 chain; plus strand). Cytogenetic location: 2q32.2.
Variant type: single nucleotide variant.
Coding change: c.1663-5A>G on transcript NM_000090.4 (MANE Select); 5 bases into the intron before coding-DNA position 1663, A replaced by G.
Molecular consequence: intron variant.
Genome position (GRCh38, 1-based): chr2:188,996,393, A>G. VCF-style: chr2-188996393-A-G. GRCh37 (hg19) VCF-style: chr2-189861119-A-G.
Other names: c.1663-5A>G (NM_000090.3).
Identifiers: ClinVar variation 3386453 (VCV003386453.2).